The following is an entry in ClinVar:

NM_013432.5(TONSL):c.121+6C>T

Genes: TONSL (tonsoku like, DNA repair protein; minus strand), LOC130001399 (ATAC-STARR-seq lymphoblastoid silent region 19685; plus strand). Cytogenetic location: 8q24.3.
Variant type: single nucleotide variant.
Coding change: c.121+6C>T on transcript NM_013432.5 (MANE Select); 6 bases into the intron after coding-DNA position 121, C replaced by T.
Molecular consequence: intron variant.
Genome position (GRCh38, 1-based): chr8:144,444,174, G>A on the plus strand (C>T on the coding strand, the complement: TONSL is on the minus strand). VCF-style: chr8-144444174-G-A. GRCh37 (hg19) VCF-style: chr8-145669557-G-A.
Identifiers: ClinVar variation 4777489 (VCV004777489.1).

ClinVar aggregate classification (germline): Uncertain significance (1 of 4 stars; one submission).

Submission:

Labcorp Genetics (formerly Invitae), Labcorp
Classification: Uncertain significance. Last evaluated: 2025-12-06. Review status: criteria provided, single submitter. Criteria: Invitae Variant Classification Sherloc (09022015). Collection method: clinical testing. Allele origin: germline.
Comment: This sequence change falls in intron 2 of the TONSL gene. It does not directly change the encoded amino acid sequence of the TONSL protein. It affects a nucleotide within the consensus splice site. This variant is not present in population databases (gnomAD no frequency). This variant has not been reported in the literature in individuals affected with TONSL-related conditions. Variants that disrupt the consensus splice site are a relatively common cause of aberrant splicing (PMID: 17576681, 9536098). Algorithms developed to predict the effect of sequence changes on RNA splicing suggest that this variant is not likely to affect RNA splicing. In summary, the available evidence is currently insufficient to determine the role of this variant in disease. Therefore, it has been classified as a Variant of Uncertain Significance.

Literature cited by the submitters: PubMed 17576681; PubMed 9536098.